The following is an entry in ClinVar:

NM_000038.6(APC):c.405A>C (p.Glu135Asp)

Gene: APC (APC regulator of Wnt signaling pathway; plus strand). Cytogenetic location: 5q22.2.
Variant type: single nucleotide variant.
Coding change: c.405A>C on transcript NM_000038.6 (MANE Select); coding-DNA position 405, A replaced by C.
Protein change: p.Glu135Asp; replaces glutamic acid 135 with aspartic acid.
Molecular consequence: missense variant. On other transcripts: 5 prime UTR variant (4), non-coding transcript variant (2).
Genome position (GRCh38, 1-based): chr5:112,767,373, A>C. VCF-style: chr5-112767373-A-C. GRCh37 (hg19) VCF-style: chr5-112103070-A-C.
Other names: c.405A>C, p.Glu135Asp (NM_001127510.3, NM_001354895.2, NM_001354896.2 and 16 more transcripts); c.435A>C, p.Glu145Asp (NM_001127511.3, NM_001354897.2, NM_001354902.2 and 1 more transcripts); c.330A>C, p.Glu110Asp (NM_001354898.2, NM_001354904.2, NM_001407451.1); c.228A>C, p.Glu76Asp (NM_001354900.2, NM_001354901.2, NM_001354905.2 and 1 more transcripts); c.-631A>C (NM_001354906.2, NM_001407470.1, NM_001407471.1 and 1 more transcripts); short protein forms E110D, E135D, E145D, E76D.
Identifiers: ClinVar variation 4801436 (VCV004801436.1).

ClinVar aggregate classification (germline): Uncertain significance (1 of 4 stars; one submission).

Conditions:
Familial adenomatous polyposis 1 (FAP1). Also called: FAMILIAL ADENOMATOUS POLYPOSIS 1, ATTENUATED; POLYPOSIS, ADENOMATOUS INTESTINAL. Identifiers: MedGen C2713442, MONDO:0021056, OMIM 175100. Disease mechanism: loss of function.

Submission:

Labcorp Genetics (formerly Invitae), Labcorp
Classification: Uncertain significance for Familial adenomatous polyposis 1. Last evaluated: 2025-06-30. Review status: criteria provided, single submitter. Criteria: Invitae Variant Classification Sherloc (09022015). Collection method: clinical testing. Allele origin: germline.
Comment: This sequence change replaces glutamic acid, which is acidic and polar, with aspartic acid, which is acidic and polar, at codon 135 of the APC protein (p.Glu135Asp). This variant is not present in population databases (gnomAD no frequency). This variant has not been reported in the literature in individuals affected with APC-related conditions. Invitae Evidence Modeling of protein sequence and biophysical properties (such as structural, functional, and spatial information, amino acid conservation, physicochemical variation, residue mobility, and thermodynamic stability) indicates that this missense variant is not expected to disrupt APC protein function with a negative predictive value of 95%. In summary, the available evidence is currently insufficient to determine the role of this variant in disease. Therefore, it has been classified as a Variant of Uncertain Significance.